The following is an entry in ClinVar:

ClinVar aggregate classification (germline): Benign/Likely benign. Review status: criteria provided, multiple submitters, no conflicts (2 of 4 stars). 6 submissions from 6 submitters: Benign (2); Likely benign (3). 1 of the submissions does not count toward it. Last evaluated 2026-02-01.

Conditions:
Inborn genetic diseases. Identifiers: MedGen C0950123, MeSH D030342.
RAI1-related disorder. Also called: RAI1-related condition.

Allele frequency attached by ClinVar (database versions not stated): gnomAD 0.00026; TOPMed 0.00049; ESP Exome Variant Server 0.00054.
gnomAD v4.1: 105 of 1,613,892 alleles (0.0065%); highest among the groups gnomAD compares: African/African-American, 0.13%; no homozygotes.

Submissions (6):

CeGaT Center for Human Genetics Tuebingen
Classification: Likely benign. Last evaluated: 2026-02-01. Review status: criteria provided, single submitter. Criteria: CeGaT Center For Human Genetics Tuebingen Variant Classification Criteria Version 2. Collection method: clinical testing. Allele origin: germline. Affected: yes. Observed: 1 variant allele.
Comment: RAI1: BP4, BP7

Labcorp Genetics (formerly Invitae), Labcorp
Classification: Benign. Last evaluated: 2026-01-24. Review status: criteria provided, single submitter. Criteria: Invitae Variant Classification Sherloc (09022015). Collection method: clinical testing. Allele origin: germline.

GeneDx
Classification: Benign. Last evaluated: 2020-03-25. Review status: criteria provided, single submitter. Criteria: GeneDx Variant Classification Process June 2021. Collection method: clinical testing. Allele origin: germline. Affected: yes.

Ambry Genetics
Classification: Likely benign for Inborn genetic diseases. Last evaluated: 2017-02-21. Review status: criteria provided, single submitter. Criteria: Ambry Variant Classification Scheme 2023. Collection method: clinical testing. Allele origin: germline.

Breakthrough Genomics
Classification: Likely benign. Review status: criteria provided, single submitter. Criteria: ACMG Guidelines, 2015. Collection method: not provided. Allele origin: germline. Inheritance: Autosomal dominant inheritance. Affected: yes.

PreventionGenetics, part of Exact Sciences
Classification: Likely benign for RAI1-related condition. Last evaluated: 2020-06-01. Review status: no assertion criteria provided. Collection method: clinical testing. Allele origin: germline. Not counted in ClinVar's aggregate classification.
Comment: This variant is classified as likely benign based on ACMG/AMP sequence variant interpretation guidelines (Richards et al. 2015 PMID: 25741868, with internal and published modifications).

NM_030665.4(RAI1):c.2190G>C (p.Pro730=)

Gene: RAI1 (retinoic acid induced 1; plus strand). Cytogenetic location: 17p11.2.
Variant type: single nucleotide variant.
Coding change: c.2190G>C on transcript NM_030665.4 (MANE Select); coding-DNA position 2190, G replaced by C.
Protein change: p.Pro730=; no amino-acid change (proline 730 retained).
Molecular consequence: synonymous variant.
Genome position (GRCh38, 1-based): chr17:17,795,138, G>C. VCF-style: chr17-17795138-G-C. GRCh37 (hg19) VCF-style: chr17-17698452-G-C.
Identifiers: ClinVar variation 588826 (VCV000588826.22), dbSNP rs141039036, ClinGen allele CA8418483.